The following is an entry in ClinVar:

NM_004168.4(SDHA):c.1664G>A (p.Gly555Glu)

Gene: SDHA (succinate dehydrogenase complex flavoprotein subunit A; plus strand). Cytogenetic location: 5p15.33.
Variant type: single nucleotide variant.
Coding change: c.1664G>A on transcript NM_004168.4 (MANE Select); coding-DNA position 1664, G replaced by A.
Protein change: p.Gly555Glu; replaces glycine 555 with glutamic acid.
Molecular consequence: missense variant. On other transcripts: intron variant (1).
Genome position (GRCh38, 1-based): chr5:251,338, G>A. VCF-style: chr5-251338-G-A. GRCh37 (hg19) VCF-style: chr5-251453-G-A.
Other names: c.1520G>A, p.Gly507Glu (NM_001294332.2); c.1552-3055G>A (NM_001330758.2); short protein forms G555E, G507E.
Identifiers: ClinVar variation 8745 (VCV000008745.12), dbSNP rs137852768, ClinGen allele CA119883.
Genomic context (GRCh38, chr5:251,338, plus strand): 5'-CTCGGAGGGCCCATGTGACTGGGTCCCGCCTGCCCCTGATGGAACTTTTTGTGTCCCCAG[G>A]AATGGTCTGGAACACGGACCTGGTGGAGACCCTGGAGCTGCAGAACCTGATGCTGTGTGC-3'
Protein context (NP_004159.2, residues 545-565): DLKHLKTFDR[Gly555Glu]MVWNTDLVET

ClinVar aggregate classification (germline): Pathogenic. Review status: criteria provided, single submitter (1 of 4 stars). 3 submissions from 2 submitters: Pathogenic (1). 2 of the submissions do not count toward it. Last evaluated 2024-06-25.

Conditions:
Mitochondrial complex II deficiency, nuclear type 1. Also called: SUCCINATE CoQ REDUCTASE DEFICIENCY. Identifiers: Orphanet 3208, MedGen C5700310, MONDO:0100294, OMIM 252011.
Pheochromocytoma/paraganglioma syndrome 5. Also called: Paragangliomas 5; SDHA-Related Hereditary Paraganglioma-Pheochromocytoma Syndrome. Identifiers: Orphanet 29072, MedGen C3279992, MONDO:0013602, OMIM 614165.
Dilated cardiomyopathy 1GG (CMD1GG). Identifiers: Orphanet 154, MedGen C3150898, MONDO:0013339, OMIM 613642.

Allele frequency attached by ClinVar (database versions not stated): gnomAD exomes below 0.00001; TOPMed below 0.00001; ExAC 0.00001.
gnomAD v4.1: 2 of 1,612,946 alleles (0.00012%); highest among the groups gnomAD compares: South Asian, 0.0011%; no homozygotes.

Submissions (3):

Labcorp Genetics (formerly Invitae), Labcorp
Classification: Pathogenic for Pheochromocytoma/paraganglioma syndrome 5; Mitochondrial complex II deficiency, nuclear type 1. Last evaluated: 2024-06-25. Review status: criteria provided, single submitter. Criteria: Invitae Variant Classification Sherloc (09022015). Collection method: clinical testing. Allele origin: germline.
Comment: This sequence change replaces glycine, which is neutral and non-polar, with glutamic acid, which is acidic and polar, at codon 555 of the SDHA protein (p.Gly555Glu). This variant is present in population databases (rs137852768, gnomAD 0.003%). This missense change has been observed in individuals with complex II deficiency or Leigh syndrome (PMID: 12794685, 16798039, 20551992). It has also been observed to segregate with disease in related individuals. ClinVar contains an entry for this variant (Variation ID: 8745). An algorithm developed to predict the effect of missense changes on protein structure and function (PolyPhen-2) suggests that this variant is likely to be disruptive. For these reasons, this variant has been classified as Pathogenic.

OMIM
Classification: Pathogenic for MITOCHONDRIAL COMPLEX II DEFICIENCY, NUCLEAR TYPE 1. Last evaluated: 2010-10-01. Review status: no assertion criteria provided. Collection method: literature only. Allele origin: germline. Not counted in ClinVar's aggregate classification.

OMIM
Classification: Pathogenic for CARDIOMYOPATHY, DILATED, 1GG. Last evaluated: 2010-10-01. Review status: no assertion criteria provided. Collection method: literature only. Allele origin: germline. Not counted in ClinVar's aggregate classification.

Literature cited by the submitters: PubMed 12794685 (cited by Labcorp Genetics (formerly Invitae), Labcorp and OMIM); PubMed 16798039 (cited by Labcorp Genetics (formerly Invitae), Labcorp and OMIM); PubMed 20551992 (cited by Labcorp Genetics (formerly Invitae), Labcorp and OMIM).